The following is an entry in ClinVar:

ClinVar aggregate classification (germline): Conflicting classifications of pathogenicity. Review status: criteria provided, conflicting classifications (1 of 4 stars). 3 submissions from 3 submitters: Uncertain significance (2); Likely benign (1). Last evaluated 2025-06-25.

Conditions:
Inborn genetic diseases. Identifiers: MedGen C0950123, MeSH D030342.
Developmental and epileptic encephalopathy, 12 (DEE12). Identifiers: MedGen C3150988, MONDO:0013389, OMIM 613722.

Allele frequency attached by ClinVar (database versions not stated): TOPMed 0.00006.
gnomAD v4.1: 48 of 1,613,612 alleles (0.003%); highest among the groups gnomAD compares: Middle Eastern, 0.033%; no homozygotes.

Submissions (3):

GeneDx
Classification: Uncertain significance. Last evaluated: 2025-06-25. Review status: criteria provided, single submitter. Criteria: GeneDx Variant Classification Process June 2021. Collection method: clinical testing. Allele origin: germline. Affected: yes.
Comment: Not observed at significant frequency in large population cohorts (gnomAD); In silico analysis supports that this missense variant does not alter protein structure/function; Has not been previously published as pathogenic or benign to our knowledge; This variant is associated with the following publications: (PMID: 22508754)

Ambry Genetics
Classification: Likely benign for Inborn genetic diseases. Last evaluated: 2024-08-05. Review status: criteria provided, single submitter. Criteria: Ambry Variant Classification Scheme 2023. Collection method: clinical testing. Allele origin: germline.

Labcorp Genetics (formerly Invitae), Labcorp
Classification: Uncertain significance for Developmental and epileptic encephalopathy, 12. Last evaluated: 2022-07-01. Review status: criteria provided, single submitter. Criteria: Invitae Variant Classification Sherloc (09022015). Collection method: clinical testing. Allele origin: germline.
Comment: This sequence change replaces arginine, which is basic and polar, with tryptophan, which is neutral and slightly polar, at codon 504 of the PNKP protein (p.Arg504Trp). This variant is present in population databases (no rsID available, gnomAD 0.009%). This variant has not been reported in the literature in individuals affected with PNKP-related conditions. ClinVar contains an entry for this variant (Variation ID: 568194). Algorithms developed to predict the effect of missense changes on protein structure and function output the following: SIFT: "Deleterious"; PolyPhen-2: "Benign"; Align-GVGD: "Class C0". The tryptophan amino acid residue is found in multiple mammalian species, which suggests that this missense change does not adversely affect protein function. In summary, the available evidence is currently insufficient to determine the role of this variant in disease. Therefore, it has been classified as a Variant of Uncertain Significance.

NM_007254.4(PNKP):c.1510C>T (p.Arg504Trp)

Gene: PNKP (polynucleotide kinase 3'-phosphatase; minus strand). Cytogenetic location: 19q13.33.
Variant type: single nucleotide variant.
Coding change: c.1510C>T on transcript NM_007254.4 (MANE Select); coding-DNA position 1510, C replaced by T.
Protein change: p.Arg504Trp; replaces arginine 504 with tryptophan.
Molecular consequence: missense variant.
Genome position (GRCh38, 1-based): chr19:49,861,304, G>A on the plus strand (C>T on the coding strand, the complement: PNKP is on the minus strand). VCF-style: chr19-49861304-G-A. GRCh37 (hg19) VCF-style: chr19-50364561-G-A.
Other names: short protein forms R504W.
Identifiers: ClinVar variation 568194 (VCV000568194.16), dbSNP rs148669160, ClinGen allele CA406932450.